The following is an entry in ClinVar:

ClinVar aggregate classification (germline): Uncertain significance (1 of 4 stars; one submission).

Conditions:
Primary ciliary dyskinesia. Also called: Ciliary dyskinesia. Identifiers: Orphanet 244, MedGen C0008780, MONDO:0016575, HP:0012265.

gnomAD v4.1: 1 of 1,613,888 alleles (0.000062%); highest among the groups gnomAD compares: Non-Finnish European, 0.000085%; no homozygotes.

Submission:

Labcorp Genetics (formerly Invitae), Labcorp
Classification: Uncertain significance for Primary ciliary dyskinesia. Last evaluated: 2025-08-14. Review status: criteria provided, single submitter. Criteria: Invitae Variant Classification Sherloc (09022015). Collection method: clinical testing. Allele origin: germline.
Comment: This sequence change replaces leucine, which is neutral and non-polar, with phenylalanine, which is neutral and non-polar, at codon 736 of the DNAH8 protein (p.Leu736Phe). This variant is present in population databases (rs767096237, gnomAD 0.0009%). This variant has not been reported in the literature in individuals affected with DNAH8-related conditions. Experimental studies and prediction algorithms are not available or were not evaluated, and the functional significance of this variant is currently unknown. In summary, the available evidence is currently insufficient to determine the role of this variant in disease. Therefore, it has been classified as a Variant of Uncertain Significance.

NM_001206927.2(DNAH8):c.2206C>T (p.Leu736Phe)

Gene: DNAH8 (dynein axonemal heavy chain 8; plus strand). Cytogenetic location: 6p21.2.
Variant type: single nucleotide variant.
Coding change: c.2206C>T on transcript NM_001206927.2 (MANE Select); coding-DNA position 2206, C replaced by T.
Protein change: p.Leu736Phe; replaces leucine 736 with phenylalanine.
Molecular consequence: missense variant.
Genome position (GRCh38, 1-based): chr6:38,781,320, C>T. VCF-style: chr6-38781320-C-T. GRCh37 (hg19) VCF-style: chr6-38749096-C-T.
Other names: c.1555C>T, p.Leu519Phe (NM_001371.4); short protein forms L736F, L519F.
Identifiers: ClinVar variation 4753299 (VCV004753299.1).